The following is an entry in ClinVar:

ClinVar aggregate classification (germline): Uncertain significance (1 of 4 stars; one submission).

Conditions:
Inborn genetic diseases. Identifiers: MedGen C0950123, MeSH D030342.

Submission:

Ambry Genetics
Classification: Uncertain significance for Inborn genetic diseases. Last evaluated: 2022-11-07. Review status: criteria provided, single submitter. Criteria: Ambry Variant Classification Scheme 2023. Collection method: clinical testing. Allele origin: germline.
Comment: The p.C588W variant (also known as c.1764C>G), located in coding exon 19 of the ERCC2 gene, results from a C to G substitution at nucleotide position 1764. The cysteine at codon 588 is replaced by tryptophan, an amino acid with highly dissimilar properties. This amino acid position is conserved. In addition, the in silico prediction for this alteration is inconclusive. Since supporting evidence is limited at this time, the clinical significance of this alteration remains unclear.

NM_000400.4(ERCC2):c.1764C>G (p.Cys588Trp)

Gene: ERCC2 (ERCC excision repair 2, TFIIH core complex helicase subunit; minus strand). Cytogenetic location: 19q13.32.
Variant type: single nucleotide variant.
Coding change: c.1764C>G on transcript NM_000400.4 (MANE Select); coding-DNA position 1764, C replaced by G.
Protein change: p.Cys588Trp; replaces cysteine 588 with tryptophan.
Molecular consequence: missense variant.
Genome position (GRCh38, 1-based): chr19:45,353,150, G>C on the plus strand (C>G on the coding strand, the complement: ERCC2 is on the minus strand). VCF-style: chr19-45353150-G-C. GRCh37 (hg19) VCF-style: chr19-45856408-G-C.
Other names: short protein forms C588W.
Identifiers: ClinVar variation 2447137 (VCV002447137.2), dbSNP rs540022485, ClinGen allele CA406364236.